The following is an entry in ClinVar:

NM_030665.4(RAI1):c.5554G>T (p.Ala1852Ser)

Gene: RAI1 (retinoic acid induced 1; plus strand). Cytogenetic location: 17p11.2.
Variant type: single nucleotide variant.
Coding change: c.5554G>T on transcript NM_030665.4 (MANE Select); coding-DNA position 5554, G replaced by T.
Protein change: p.Ala1852Ser; replaces alanine 1852 with serine.
Molecular consequence: missense variant.
Genome position (GRCh38, 1-based): chr17:17,798,502, G>T. VCF-style: chr17-17798502-G-T. GRCh37 (hg19) VCF-style: chr17-17701816-G-T.
Other names: short protein forms A1852S.
Identifiers: ClinVar variation 3768526 (VCV003768526.1).

ClinVar aggregate classification (germline): Uncertain significance (1 of 4 stars; one submission).

gnomAD v4.1: 12 of 1,601,174 alleles (0.00075%); highest among the groups gnomAD compares: Non-Finnish European, 0.00093%; no homozygotes.

Submission:

Women's Health and Genetics/Laboratory Corporation of America, LabCorp
Classification: Uncertain significance. Last evaluated: 2024-12-18. Review status: criteria provided, single submitter. Criteria: LabCorp Variant Classification Summary - May 2015. Collection method: clinical testing. Allele origin: germline.
Comment: Variant summary: RAI1 c.5554G>T (p.Ala1852Ser) results in a conservative amino acid change in the encoded protein sequence. Three of five in-silico tools predict a benign effect of the variant on protein function. The variant was absent in 233628 control chromosomes. The available data on variant occurrences in the general population are insufficient to allow any conclusion about variant significance. To our knowledge, no occurrence of c.5554G>T in individuals affected with Smith-Magenis Syndrome and no experimental evidence demonstrating its impact on protein function have been reported. No submitters have cited clinical-significance assessments for this variant to ClinVar. Based on the evidence outlined above, the variant was classified as uncertain significance.